The following is an entry in ClinVar:

ClinVar aggregate classification (germline): Uncertain significance. Review status: criteria provided, multiple submitters, no conflicts (2 of 4 stars). 3 submissions from 3 submitters: Uncertain significance (3). Last evaluated 2025-03-14.

Conditions:
Inborn genetic diseases. Identifiers: MedGen C0950123, MeSH D030342.

Allele frequency attached by ClinVar (database versions not stated): gnomAD exomes below 0.00001 and 0.00002; TOPMed below 0.00001; ExAC 0.00002.
gnomAD v4.1: 2 of 1,211,327 alleles (0.00017%); highest among the groups gnomAD compares: East Asian, 0.0059%; no homozygotes.

Submissions (3):

Ambry Genetics
Classification: Uncertain significance for Inborn genetic diseases. Last evaluated: 2025-03-14. Review status: criteria provided, single submitter. Criteria: Ambry Variant Classification Scheme 2023. Collection method: clinical testing. Allele origin: germline.

Labcorp Genetics (formerly Invitae), Labcorp
Classification: Uncertain significance. Last evaluated: 2024-03-04. Review status: criteria provided, single submitter. Criteria: Invitae Variant Classification Sherloc (09022015). Collection method: clinical testing. Allele origin: germline.
Comment: This sequence change replaces serine, which is neutral and polar, with glycine, which is neutral and non-polar, at codon 161 of the CHM protein (p.Ser161Gly). This variant is present in population databases (rs748810856, gnomAD 0.02%). This variant has not been reported in the literature in individuals affected with CHM-related conditions. ClinVar contains an entry for this variant (Variation ID: 843521). An algorithm developed to predict the effect of missense changes on protein structure and function (PolyPhen-2) suggests that this variant is likely to be tolerated. In summary, the available evidence is currently insufficient to determine the role of this variant in disease. Therefore, it has been classified as a Variant of Uncertain Significance.

Blueprint Genetics
Classification: Uncertain significance. Last evaluated: 2022-01-15. Review status: criteria provided, single submitter. Criteria: ACMG Guidelines, 2015. Collection method: clinical testing. Allele origin: germline.

NM_000390.4(CHM):c.481A>G (p.Ser161Gly)

Genes: CHM (CHM Rab escort protein; minus strand), LOC129391306 (MPRA-validated peak7401 silencer; plus strand). Cytogenetic location: Xq21.2.
Variant type: single nucleotide variant.
Coding change: c.481A>G on transcript NM_000390.4 (MANE Select); coding-DNA position 481, A replaced by G.
Protein change: p.Ser161Gly; replaces serine 161 with glycine.
Molecular consequence: missense variant.
Genome position (GRCh38, 1-based): chrX:85,963,886, T>C on the plus strand (A>G on the coding strand, the complement: CHM is on the minus strand). VCF-style: chrX-85963886-T-C. GRCh37 (hg19) VCF-style: chrX-85218891-T-C.
Other names: c.37A>G, p.Ser13Gly (NM_001320959.1, NM_001362517.1, NM_001362518.2 and 1 more transcripts); short protein forms S161G, S13G.
Identifiers: ClinVar variation 843521 (VCV000843521.10), dbSNP rs748810856, ClinGen allele CA10465573.